The following is an entry in ClinVar:

NM_001868.4(CPA1):c.657C>G (p.Ile219Met)

Gene: CPA1 (carboxypeptidase A1; plus strand). Cytogenetic location: 7q32.2.
Variant type: single nucleotide variant.
Coding change: c.657C>G on transcript NM_001868.4 (MANE Select); coding-DNA position 657, C replaced by G.
Protein change: p.Ile219Met; replaces isoleucine 219 with methionine.
Molecular consequence: missense variant.
Genome position (GRCh38, 1-based): chr7:130,383,755, C>G. VCF-style: chr7-130383755-C-G. GRCh37 (hg19) VCF-style: chr7-130023596-C-G.
Other names: short protein forms I219M.
Identifiers: ClinVar variation 393084 (VCV000393084.12), dbSNP rs1057524778, ClinGen allele CA16605045.

ClinVar aggregate classification (germline): Uncertain significance. Review status: criteria provided, multiple submitters, no conflicts (2 of 4 stars). 3 submissions from 3 submitters: Uncertain significance (3). Last evaluated 2024-07-26.

Conditions:
Hereditary pancreatitis (PCTT). Also called: PRSS1-Related Hereditary Pancreatitis; Hereditary chronic pancreatitis. Identifiers: Orphanet 676, MedGen C0238339, MONDO:0008185, OMIM 167800.

Allele frequency attached by ClinVar (database versions not stated): TOPMed 0.00002.
gnomAD v4.1: 37 of 1,614,018 alleles (0.0023%); highest among the groups gnomAD compares: Non-Finnish European, 0.0028%; no homozygotes.

Submissions (3):

Ambry Genetics
Classification: Uncertain significance for Hereditary pancreatitis. Last evaluated: 2024-07-26. Review status: criteria provided, single submitter. Criteria: Ambry Variant Classification Scheme 2023. Collection method: clinical testing. Allele origin: germline.
Comment: The p.I219M variant (also known as c.657C>G), located in coding exon 6 of the CPA1 gene, results from a C to G substitution at nucleotide position 657. The isoleucine at codon 219 is replaced by methionine, an amino acid with highly similar properties. This amino acid position is highly conserved in available vertebrate species. In addition, this alteration is predicted to be tolerated by in silico analysis. Since supporting evidence is limited at this time, the clinical significance of this alteration remains unclear.

Labcorp Genetics (formerly Invitae), Labcorp
Classification: Uncertain significance. Last evaluated: 2024-02-22. Review status: criteria provided, single submitter. Criteria: Invitae Variant Classification Sherloc (09022015). Collection method: clinical testing. Allele origin: germline.
Comment: This sequence change replaces isoleucine, which is neutral and non-polar, with methionine, which is neutral and non-polar, at codon 219 of the CPA1 protein (p.Ile219Met). This variant is present in population databases (no rsID available, gnomAD 0.002%). This variant has not been reported in the literature in individuals affected with CPA1-related conditions. ClinVar contains an entry for this variant (Variation ID: 393084). Advanced modeling of protein sequence and biophysical properties (such as structural, functional, and spatial information, amino acid conservation, physicochemical variation, residue mobility, and thermodynamic stability) performed at Invitae indicates that this missense variant is not expected to disrupt CPA1 protein function with a negative predictive value of 80%. In summary, the available evidence is currently insufficient to determine the role of this variant in disease. Therefore, it has been classified as a Variant of Uncertain Significance.

GeneDx
Classification: Uncertain significance. Last evaluated: 2017-01-23. Review status: criteria provided, single submitter. Criteria: GeneDx Variant Classification (06012015). Collection method: clinical testing. Allele origin: germline. Affected: yes.
Comment: The I219M variant in the CPA1 gene has not been reported previously as a pathogenic variant, nor as a benign variant, to our knowledge. This variant was not observed in approximately 6500 individuals of European and African American ancestry in the NHLBI Exome Sequencing Project, indicating it is not a common benign variant in these populations. The I219M variant is a conservative amino acid substitution, which is not likely to impact secondary protein structure as these residues share similar properties. This substitution occurs at a position that is conserved across species. In silico analysis is inconsistent in its predictions as to whether or not the variant is damaging to the protein structure/function. We interpret I219M as a variant of uncertain significance.